The following is an entry in ClinVar:

NM_032119.4(ADGRV1):c.986C>T (p.Thr329Ile)

Gene: ADGRV1 (adhesion G protein-coupled receptor V1; plus strand). Cytogenetic location: 5q14.3.
Variant type: single nucleotide variant.
Coding change: c.986C>T on transcript NM_032119.4 (MANE Select); coding-DNA position 986, C replaced by T.
Protein change: p.Thr329Ile; replaces threonine 329 with isoleucine.
Molecular consequence: missense variant. On other transcripts: non-coding transcript variant (1).
Genome position (GRCh38, 1-based): chr5:90,627,524, C>T. VCF-style: chr5-90627524-C-T. GRCh37 (hg19) VCF-style: chr5-89923341-C-T.
Other names: short protein forms T329I.
Identifiers: ClinVar variation 1424523 (VCV001424523.6), dbSNP rs1764924376, ClinGen allele CA360368491.

ClinVar aggregate classification (germline): Uncertain significance (1 of 4 stars; one submission).

Allele frequency attached by ClinVar (database versions not stated): gnomAD 0.00001.
gnomAD v4.1: 3 of 1,613,772 alleles (0.00019%); highest among the groups gnomAD compares: Non-Finnish European, 0.00025%; no homozygotes.

Submission:

Labcorp Genetics (formerly Invitae), Labcorp
Classification: Uncertain significance. Last evaluated: 2022-02-01. Review status: criteria provided, single submitter. Criteria: Invitae Variant Classification Sherloc (09022015). Collection method: clinical testing. Allele origin: germline.
Comment: This variant is not present in population databases (gnomAD no frequency). In summary, the available evidence is currently insufficient to determine the role of this variant in disease. Therefore, it has been classified as a Variant of Uncertain Significance. Algorithms developed to predict the effect of missense changes on protein structure and function are either unavailable or do not agree on the potential impact of this missense change (SIFT: "Deleterious"; PolyPhen-2: "Possibly Damaging"; Align-GVGD: "Class C0"). This variant has not been reported in the literature in individuals affected with ADGRV1-related conditions. This sequence change replaces threonine, which is neutral and polar, with isoleucine, which is neutral and non-polar, at codon 329 of the ADGRV1 protein (p.Thr329Ile).